The following is an entry in ClinVar:

NM_001039591.3(USP9X):c.3143C>T (p.Pro1048Leu)

Gene: USP9X (ubiquitin specific peptidase 9 X-linked; plus strand). Cytogenetic location: Xp11.4.
Variant type: single nucleotide variant.
Coding change: c.3143C>T on transcript NM_001039591.3 (MANE Select); coding-DNA position 3143, C replaced by T.
Protein change: p.Pro1048Leu; replaces proline 1048 with leucine.
Molecular consequence: missense variant.
Genome position (GRCh38, 1-based): chrX:41,171,953, C>T. VCF-style: chrX-41171953-C-T. GRCh37 (hg19) VCF-style: chrX-41031206-C-T.
Other names: c.3143C>T, p.Pro1048Leu (NM_001039590.3); c.3158C>T, p.Pro1053Leu (NM_001410748.1, NM_001410749.1); c.3143C>T (NM_001039590.2); short protein forms P1048L, P1053L.
Identifiers: ClinVar variation 2190777 (VCV002190777.9), dbSNP rs2062730309, ClinGen allele CA412761131.

ClinVar aggregate classification (germline): Conflicting classifications of pathogenicity. Review status: criteria provided, conflicting classifications (1 of 4 stars). 4 submissions from 4 submitters: Likely pathogenic (1); Uncertain significance (3). Last evaluated 2026-09-24.

Conditions:
Intellectual developmental disorder, X-linked 99. Also called: Intellectual disability, X-linked 99. Identifiers: Orphanet 777, MedGen C3806746, MONDO:0010487, OMIM 300919.
Inborn genetic diseases. Identifiers: MedGen C0950123, MeSH D030342.

Allele frequency attached by ClinVar (database versions not stated): gnomAD exomes below 0.00001; TOPMed below 0.00001.

Submissions (4):

GeneDx
Classification: Likely pathogenic. Last evaluated: 2026-09-24. Review status: criteria provided, single submitter. Criteria: GeneDx Variant Classification Process June 2021. Collection method: clinical testing. Allele origin: germline.
Comment: Not observed at significant frequency in large population cohorts (gnomAD); In silico analysis supports that this missense variant has a deleterious effect on protein structure/function; Has not been previously published as pathogenic or benign to our knowledge; This variant is associated with the following publications: (PMID: 31443933)

Department of Human Genetics, University Hospital Bern, Inselspital
Classification: Uncertain significance for Intellectual developmental disorder, X-linked 99. Last evaluated: 2025-03-05. Review status: criteria provided, single submitter. Criteria: ACMG Guidelines, 2015. Collection method: clinical testing. Allele origin: maternal. Inheritance: X-linked recessive inheritance. Affected: yes. Observed: 1 hemizygote.
Comment: Detected in two brothers with epilepsy and ADHD

Ambry Genetics
Classification: Uncertain significance for Inborn genetic diseases. Last evaluated: 2024-05-08. Review status: criteria provided, single submitter. Criteria: Ambry Variant Classification Scheme 2023. Collection method: clinical testing. Allele origin: germline.

Labcorp Genetics (formerly Invitae), Labcorp
Classification: Uncertain significance. Last evaluated: 2022-08-07. Review status: criteria provided, single submitter. Criteria: Invitae Variant Classification Sherloc (09022015). Collection method: clinical testing. Allele origin: germline.
Comment: Algorithms developed to predict the effect of missense changes on protein structure and function are either unavailable or do not agree on the potential impact of this missense change (SIFT: "Deleterious"; PolyPhen-2: "Probably Damaging"; Align-GVGD: "Class C0"). This sequence change replaces proline, which is neutral and non-polar, with leucine, which is neutral and non-polar, at codon 1048 of the USP9X protein (p.Pro1048Leu). This variant is not present in population databases (gnomAD no frequency). This variant has not been reported in the literature in individuals affected with USP9X-related conditions. In summary, the available evidence is currently insufficient to determine the role of this variant in disease. Therefore, it has been classified as a Variant of Uncertain Significance.

Literature cited by the submitters: PubMed 31443933 (cited by Department of Human Genetics, University Hospital Bern, Inselspital).